The following is an entry in ClinVar:

ClinVar aggregate classification (germline): Conflicting classifications of pathogenicity. Review status: criteria provided, conflicting classifications (1 of 4 stars). 9 submissions from 9 submitters: Uncertain significance (1); Benign (2); Likely benign (4). 2 of the submissions do not count toward it. Last evaluated 2025-11-16.

Conditions:
NSD1-related disorder. Also called: NSD1-related condition.
Sotos syndrome (SOTOS). Also called: Distinctive facial appearance, overgrowth in childhood, and learning disabilities or delayed development; SOTOS SYNDROME 1; Sotos' syndrome; CEREBRAL GIGANTISM; CHROMOSOME 5q35 DELETION SYNDROME. Identifiers: Orphanet 821, MedGen C0175695, MONDO:0019349, OMIM 117550.
Inborn genetic diseases. Identifiers: MedGen C0950123, MeSH D030342.

Allele frequency attached by ClinVar (database versions not stated): ExAC 0.00014; TOPMed 0.00035; gnomAD 0.00037 and 0.00038; 1000 Genomes Project 0.00080; gnomAD exomes 0.00004 and 0.00009; ESP Exome Variant Server 0.00038; 1000 Genomes Project 30x 0.00078.
gnomAD v4.1: 115 of 1,614,138 alleles (0.0071%); highest among the groups gnomAD compares: African/African-American, 0.13%; no homozygotes.

Submissions (9):

Labcorp Genetics (formerly Invitae), Labcorp
Classification: Likely benign. Last evaluated: 2025-11-16. Review status: criteria provided, single submitter. Criteria: Invitae Variant Classification Sherloc (09022015). Collection method: clinical testing. Allele origin: germline.

Women's Health and Genetics/Laboratory Corporation of America, LabCorp
Classification: Likely benign. Last evaluated: 2025-09-23. Review status: criteria provided, single submitter. Criteria: LabCorp Variant Classification Summary - May 2015. Collection method: clinical testing. Allele origin: germline.
Comment: Variant summary: NSD1 c.4892A>G (p.Lys1631Arg) results in a conservative amino acid change in the encoded protein sequence. Algorithms developed to predict the effect of missense changes on protein structure and function are either unavailable or do not agree on the potential impact of this missense change. The variant allele was found at a frequency of 8.7e-05 in 251466 control chromosomes, predominantly at a frequency of 0.0012 within the African or African-American subpopulation in the gnomAD database. The observed variant frequency within African or African-American control individuals in the gnomAD database exceeds the estimated maximal expected allele frequency for disease-causing variants in NSD1. To our knowledge, no occurrence of c.4892A>G in individuals affected with NSD1-related conditions and no experimental evidence demonstrating its impact on protein function have been reported. ClinVar contains an entry for this variant (Variation ID: 96061). Based on the evidence outlined above, the variant was classified as likely benign.

Mendelics
Classification: Benign for Sotos syndrome. Last evaluated: 2023-08-22. Review status: criteria provided, single submitter. Criteria: Mendelics Assertion Criteria 2019. Collection method: clinical testing. Allele origin: germline.

Genome-Nilou Lab
Classification: Likely benign for Sotos syndrome. Last evaluated: 2021-07-15. Review status: criteria provided, single submitter. Criteria: ACMG Guidelines, 2015. Collection method: clinical testing. Allele origin: germline. Affected: no.

GeneDx
Classification: Benign. Last evaluated: 2020-11-18. Review status: criteria provided, single submitter. Criteria: GeneDx Variant Classification Process June 2021. Collection method: clinical testing. Allele origin: germline. Affected: yes.

Ambry Genetics
Classification: Likely benign for Inborn genetic diseases. Last evaluated: 2018-02-08. Review status: criteria provided, single submitter. Criteria: Ambry Variant Classification Scheme 2023. Collection method: clinical testing. Allele origin: germline.

Eurofins Ntd Llc (ga)
Classification: Uncertain significance. Last evaluated: 2013-10-10. Review status: criteria provided, single submitter. Criteria: EGL Classification Definitions 2015. Collection method: clinical testing. Allele origin: germline. Observed: 1 variant allele, 1 heterozygote.

PreventionGenetics, part of Exact Sciences
Classification: Likely benign for NSD1-related condition. Last evaluated: 2021-03-03. Review status: no assertion criteria provided. Collection method: clinical testing. Allele origin: germline. Not counted in ClinVar's aggregate classification.
Comment: This variant is classified as likely benign based on ACMG/AMP sequence variant interpretation guidelines (Richards et al. 2015 PMID: 25741868, with internal and published modifications).

Genetic Services Laboratory, University of Chicago
Classification: Likely pathogenic for Sotos syndrome 1. Last evaluated: 2013-02-08. Review status: flagged submission. Criteria: ACMG Guidelines, 2007. Collection method: clinical testing. Allele origin: germline. Inheritance: Autosomal dominant inheritance. Affected: yes. Not counted in ClinVar's aggregate classification.
ClinVar note: Reason: Outlier claim with insufficient supporting evidence

NM_022455.5(NSD1):c.4892A>G (p.Lys1631Arg)

Gene: NSD1 (nuclear receptor binding SET domain protein 1; plus strand). Cytogenetic location: 5q35.3.
Variant type: single nucleotide variant.
Coding change: c.4892A>G on transcript NM_022455.5 (MANE Select); coding-DNA position 4892, A replaced by G.
Protein change: p.Lys1631Arg; replaces lysine 1631 with arginine.
Molecular consequence: missense variant.
Genome position (GRCh38, 1-based): chr5:177,257,077, A>G. VCF-style: chr5-177257077-A-G. GRCh37 (hg19) VCF-style: chr5-176684078-A-G.
Other names: c.4472A>G, p.Lys1491Arg (NM_001409304.1); c.4139A>G, p.Lys1380Arg (NM_001409305.1); c.4130A>G, p.Lys1377Arg (NM_001409306.1, NM_001409307.1); c.4019A>G, p.Lys1340Arg (NM_001409308.1, NM_001409309.1, NM_172349.5 and 1 more transcripts); c.4892A>G, p.Lys1631Arg (NM_001409301.1, NM_001409302.1, NM_001409303.1); short protein forms K1362R, K1377R, K1340R, K1380R, K1491R.
Identifiers: ClinVar variation 96061 (VCV000096061.26), dbSNP rs201857437, ClinGen allele CA223685.